The following is an entry in ClinVar:

ClinVar aggregate classification (germline): Uncertain significance (1 of 4 stars; one submission).

Conditions:
Familial focal epilepsy with variable foci (FPEVF). Identifiers: Orphanet 98820, MedGen C1858477, MONDO:0020310.

Allele frequency attached by ClinVar (database versions not stated): TOPMed below 0.00001; gnomAD 0.00001; gnomAD exomes 0.00003 and 0.00010; ExAC 0.00010.

Submission:

Labcorp Genetics (formerly Invitae), Labcorp
Classification: Uncertain significance for Familial focal epilepsy with variable foci. Last evaluated: 2022-08-02. Review status: criteria provided, single submitter. Criteria: Invitae Variant Classification Sherloc (09022015). Collection method: clinical testing. Allele origin: germline.
Comment: In summary, the available evidence is currently insufficient to determine the role of this variant in disease. Therefore, it has been classified as a Variant of Uncertain Significance. Algorithms developed to predict the effect of sequence changes on RNA splicing suggest that this variant may create or strengthen a splice site. Algorithms developed to predict the effect of missense changes on protein structure and function are either unavailable or do not agree on the potential impact of this missense change (SIFT: "Tolerated"; PolyPhen-2: "Not Available"; Align-GVGD: "Class C0"). ClinVar contains an entry for this variant (Variation ID: 841355). This variant has not been reported in the literature in individuals affected with DEPDC5-related conditions. This variant is present in population databases (rs777729993, gnomAD 0.03%), and has an allele count higher than expected for a pathogenic variant. This sequence change replaces methionine, which is neutral and non-polar, with valine, which is neutral and non-polar, at codon 1017 of the DEPDC5 protein (p.Met1017Val).

NM_001242896.3(DEPDC5):c.3049A>G (p.Met1017Val)

Gene: DEPDC5 (DEP domain containing 5, GATOR1 subcomplex subunit; plus strand). Cytogenetic location: 22q12.3.
Variant type: single nucleotide variant.
Coding change: c.3049A>G on transcript NM_001242896.3 (MANE Select); coding-DNA position 3049, A replaced by G.
Protein change: p.Met1017Val; replaces methionine 1017 with valine.
Molecular consequence: missense variant. On other transcripts: non-coding transcript variant (5).
Genome position (GRCh38, 1-based): chr22:31,846,861, A>G. VCF-style: chr22-31846861-A-G. GRCh37 (hg19) VCF-style: chr22-32242847-A-G.
Other names: c.3022A>G, p.Met1008Val (NM_001136029.4, NM_001369903.1, NM_014662.6); c.2815A>G, p.Met939Val (NM_001242897.2, NM_001363854.2, NM_001364319.2); c.3049A>G, p.Met1017Val (NM_001363852.2, NM_001364318.2, NM_001364320.2); c.2965A>G, p.Met989Val (NM_001369901.1, NM_001369902.1); short protein forms M1017V, M1008V, M989V, M939V.
Identifiers: ClinVar variation 841355 (VCV000841355.9), dbSNP rs777729993, ClinGen allele CA10196867.